The following is an entry in ClinVar:

NC_000012.12:g.112418795C>T

Genes: PTPN11 (protein tyrosine phosphatase non-receptor type 11; plus strand), RPL6 (ribosomal protein L6; minus strand). Cytogenetic location: 12q24.13.
Variant type: single nucleotide variant.
Molecular consequence: 5 prime UTR variant (on NM_001320141.2).
Genome position: GRCh38 VCF-style: chr12-112418795-C-T. GRCh37 (hg19) VCF-style: chr12-112856599-C-T.
Other names: c.-317C>T (NM_002834.3); c.-296G>A (NM_001320141.2).
Identifiers: ClinVar variation 695270 (VCV000695270.33), dbSNP rs373537430, ClinGen allele CA243702192.

ClinVar aggregate classification (germline): Benign/Likely benign. Review status: criteria provided, multiple submitters, no conflicts (2 of 4 stars). 2 submissions from 2 submitters: Benign (1); Likely benign (1). Last evaluated 2025-02-19.

Conditions:
RASopathy. Also called: rasopathies; Noonan spectrum disorder. Identifiers: Orphanet 536391, MedGen C5555857, MONDO:0021060.

Allele frequency attached by ClinVar (database versions not stated): 1000 Genomes Project 0.00120; 1000 Genomes Project 30x 0.00156; TOPMed 0.00036.

Submissions (2):

Labcorp Genetics (formerly Invitae), Labcorp
Classification: Benign for RASopathy. Last evaluated: 2025-02-19. Review status: criteria provided, single submitter. Criteria: Invitae Variant Classification Sherloc (09022015). Collection method: clinical testing. Allele origin: germline.

CeGaT Center for Human Genetics Tuebingen
Classification: Likely benign. Last evaluated: 2023-06-01. Review status: criteria provided, single submitter. Criteria: CeGaT Center For Human Genetics Tuebingen Variant Classification Criteria Version 2. Collection method: clinical testing. Allele origin: germline. Affected: yes. Observed: 1 variant allele.
Comment: PTPN11: BS1